The following is an entry in ClinVar:

NM_019109.5(ALG1):c.309C>G (p.Tyr103Ter)

Gene: ALG1 (ALG1 chitobiosyldiphosphodolichol beta-mannosyltransferase; plus strand). Cytogenetic location: 16p13.3.
Variant type: single nucleotide variant.
Coding change: c.309C>G on transcript NM_019109.5 (MANE Select); coding-DNA position 309, C replaced by G.
Protein change: p.Tyr103Ter; replaces tyrosine 103 with a stop codon.
Molecular consequence: nonsense. On other transcripts: 5 prime UTR variant (1).
Genome position (GRCh38, 1-based): chr16:5,073,175, C>G. VCF-style: chr16-5073175-C-G. GRCh37 (hg19) VCF-style: chr16-5123176-C-G.
Other names: c.-25C>G (NM_001330504.2); short protein forms Y103*.
Identifiers: ClinVar variation 1416621 (VCV001416621.6), dbSNP rs199553558, ClinGen allele CA277196684.

ClinVar aggregate classification (germline): Pathogenic (1 of 4 stars; one submission).

Conditions:
ALG1-congenital disorder of glycosylation. Also called: ALG1-CDG; CONGENITAL DISORDER OF GLYCOSYLATION, TYPE Ik; CDG Ik. Identifiers: Orphanet 79327, MedGen C2931005, MONDO:0012052, OMIM 608540.

Submission:

Labcorp Genetics (formerly Invitae), Labcorp
Classification: Pathogenic for ALG1-congenital disorder of glycosylation. Last evaluated: 2025-12-15. Review status: criteria provided, single submitter. Criteria: Invitae Variant Classification Sherloc (09022015). Collection method: clinical testing. Allele origin: germline.
Comment: This sequence change creates a premature translational stop signal (p.Tyr103*) in the ALG1 gene. It is expected to result in an absent or disrupted protein product. Loss-of-function variants in ALG1 are known to be pathogenic (PMID: 20679665, 23806237). This variant is not present in population databases (gnomAD no frequency). This variant has not been reported in the literature in individuals affected with ALG1-related conditions. ClinVar contains an entry for this variant (Variation ID: 1416621). Algorithms developed to predict the effect of sequence changes on RNA splicing suggest that this variant may disrupt the consensus splice site. For these reasons, this variant has been classified as Pathogenic.

Literature cited by the submitters: PubMed 20679665; PubMed 23806237.